The following is an entry in ClinVar:

NM_170606.3(KMT2C):c.12557G>A (p.Gly4186Asp)

Gene: KMT2C (lysine methyltransferase 2C; minus strand). Cytogenetic location: 7q36.1.
Variant type: single nucleotide variant.
Coding change: c.12557G>A on transcript NM_170606.3 (MANE Select); coding-DNA position 12557, G replaced by A.
Protein change: p.Gly4186Asp; replaces glycine 4186 with aspartic acid.
Molecular consequence: missense variant.
Genome position (GRCh38, 1-based): chr7:152,151,551, C>T on the plus strand (G>A on the coding strand, the complement: KMT2C is on the minus strand). VCF-style: chr7-152151551-C-T. GRCh37 (hg19) VCF-style: chr7-151848636-C-T.
Other names: c.12557G>A (NM_170606.2); short protein forms G4186D.
Identifiers: ClinVar variation 1569460 (VCV001569460.33), dbSNP rs201079078, ClinGen allele CA4578767.
Genomic context (GRCh38, chr7:152,151,551, plus strand): 5'-AGAATAACCACTTTACAATGACAACACCACTGTGGTCTGAGTGCTGCGCTTTCTGCAATA[C>T]CATGACTAGAATCCTTATATCCAGAAAGACCTAAAGGCAATCAACTTTTGTTAGTAATTA-3'
Protein context (NP_733751.2, residues 4176-4196): GLSGYKDSSH[Gly4186Asp]IAESAALRPQ

ClinVar aggregate classification (germline): Likely benign. Review status: criteria provided, multiple submitters, no conflicts (2 of 4 stars). 4 submissions from 4 submitters: Likely benign (3). 1 of the submissions does not count toward it. Last evaluated 2026-03-01.

Conditions:
KMT2C-related disorder. Also called: KMT2C-related condition; KMT2C-related disorders.

Allele frequency attached by ClinVar (database versions not stated): TOPMed 0.00014; gnomAD 0.00017; gnomAD exomes 0.00018; ExAC 0.00021; ESP Exome Variant Server 0.00023.
gnomAD v4.1: 315 of 1,614,046 alleles (0.02%); highest among the groups gnomAD compares: East Asian, 0.16%; no homozygotes.

Submissions (4):

CeGaT Center for Human Genetics Tuebingen
Classification: Likely benign. Last evaluated: 2026-03-01. Review status: criteria provided, single submitter. Criteria: CeGaT Center For Human Genetics Tuebingen Variant Classification Criteria Version 2. Collection method: clinical testing. Allele origin: germline. Affected: yes. Observed: 2 variant alleles.
Comment: KMT2C: BP4, BS1

Labcorp Genetics (formerly Invitae), Labcorp
Classification: Likely benign. Last evaluated: 2025-02-24. Review status: criteria provided, single submitter. Criteria: Invitae Variant Classification Sherloc (09022015). Collection method: clinical testing. Allele origin: germline.

Blueprint Genetics
Classification: Likely benign. Last evaluated: 2024-11-06. Review status: criteria provided, single submitter. Criteria: ACMG Guidelines, 2015. Collection method: clinical testing. Allele origin: germline.

PreventionGenetics, part of Exact Sciences
Classification: Likely benign for KMT2C-related condition. Last evaluated: 2023-11-25. Review status: no assertion criteria provided. Collection method: clinical testing. Allele origin: germline. Not counted in ClinVar's aggregate classification.
Comment: This variant is classified as likely benign based on ACMG/AMP sequence variant interpretation guidelines (Richards et al. 2015 PMID: 25741868, with internal and published modifications).